The following is an entry in ClinVar:

ClinVar aggregate classification (germline): Uncertain significance (1 of 4 stars; one submission).

Conditions:
Spastic paraplegia. Identifiers: MedGen C0037772, HP:0001258.

gnomAD v4.1: 1 of 1,611,026 alleles (0.000062%); highest among the groups gnomAD compares: Non-Finnish European, 0.000085%; no homozygotes.

Submission:

Labcorp Genetics (formerly Invitae), Labcorp
Classification: Uncertain significance for Spastic paraplegia. Last evaluated: 2022-02-08. Review status: criteria provided, single submitter. Criteria: Invitae Variant Classification Sherloc (09022015). Collection method: clinical testing. Allele origin: germline.
Comment: This sequence change replaces leucine, which is neutral and non-polar, with valine, which is neutral and non-polar, at codon 46 of the AP4E1 protein (p.Leu46Val). This variant is not present in population databases (gnomAD no frequency). This variant has not been reported in the literature in individuals affected with AP4E1-related conditions. Algorithms developed to predict the effect of missense changes on protein structure and function are either unavailable or do not agree on the potential impact of this missense change (SIFT: "Deleterious"; PolyPhen-2: "Possibly Damaging"; Align-GVGD: "Class C0"). In summary, the available evidence is currently insufficient to determine the role of this variant in disease. Therefore, it has been classified as a Variant of Uncertain Significance.

NM_007347.5(AP4E1):c.136C>G (p.Leu46Val)

Gene: AP4E1 (adaptor related protein complex 4 subunit epsilon 1; plus strand). Cytogenetic location: 15q21.2.
Variant type: single nucleotide variant.
Coding change: c.136C>G on transcript NM_007347.5 (MANE Select); coding-DNA position 136, C replaced by G.
Protein change: p.Leu46Val; replaces leucine 46 with valine.
Molecular consequence: missense variant. On other transcripts: 5 prime UTR variant (1).
Genome position (GRCh38, 1-based): chr15:50,908,914, C>G. VCF-style: chr15-50908914-C-G. GRCh37 (hg19) VCF-style: chr15-51201111-C-G.
Other names: c.-113C>G (NM_001252127.2); short protein forms L46V.
Identifiers: ClinVar variation 2068623 (VCV002068623.4), dbSNP rs2504641348, ClinGen allele CA392410685.